The following is an entry in ClinVar:

NM_001170629.2(CHD8):c.1315C>T (p.His439Tyr)

Gene: CHD8 (chromodomain helicase DNA binding protein 8; minus strand). Cytogenetic location: 14q11.2.
Variant type: single nucleotide variant.
Coding change: c.1315C>T on transcript NM_001170629.2 (MANE Select); coding-DNA position 1315, C replaced by T.
Protein change: p.His439Tyr; replaces histidine 439 with tyrosine.
Molecular consequence: missense variant.
Genome position (GRCh38, 1-based): chr14:21,428,155, G>A on the plus strand (C>T on the coding strand, the complement: CHD8 is on the minus strand). VCF-style: chr14-21428155-G-A. GRCh37 (hg19) VCF-style: chr14-21896314-G-A.
Other names: c.478C>T, p.His160Tyr (NM_020920.4); short protein forms H160Y, H439Y.
Identifiers: ClinVar variation 1678816 (VCV001678816.7), dbSNP rs565918098, ClinGen allele CA7091794.

ClinVar aggregate classification (germline): Conflicting classifications of pathogenicity. Review status: criteria provided, conflicting classifications (1 of 4 stars). 3 submissions from 3 submitters: Uncertain significance (1); Likely benign (2). Last evaluated 2025-03-17.

Conditions:
Intellectual developmental disorder with autism and macrocephaly. Also called: Autism, susceptibility to, 18; CHD8-Related Neurodevelopmental Disorder with Overgrowth. Identifiers: Orphanet 642675, MedGen C3554373, MONDO:0014017, OMIM 615032.

Allele frequency attached by ClinVar (database versions not stated): gnomAD exomes below 0.00001 and 0.00002; gnomAD 0.00001 and 0.00003; TOPMed 0.00001; ExAC 0.00004; 1000 Genomes Project 0.00060; 1000 Genomes Project 30x 0.00062.
gnomAD v4.1: 16 of 1,613,988 alleles (0.00099%); highest among the groups gnomAD compares: East Asian, 0.013%; no homozygotes.

Submissions (3):

Labcorp Genetics (formerly Invitae), Labcorp
Classification: Likely benign. Last evaluated: 2025-03-17. Review status: criteria provided, single submitter. Criteria: Invitae Variant Classification Sherloc (09022015). Collection method: clinical testing. Allele origin: germline.

GeneDx
Classification: Likely benign. Last evaluated: 2021-03-23. Review status: criteria provided, single submitter. Criteria: GeneDx Variant Classification Process June 2021. Collection method: clinical testing. Allele origin: germline. Affected: yes.
Comment: See Variant Classification Assertion Criteria.

Revvity Omics, Revvity
Classification: Uncertain significance for Intellectual developmental disorder with autism and macrocephaly. Last evaluated: 2019-09-26. Review status: criteria provided, single submitter. Criteria: ACMG Guidelines, 2015. Collection method: clinical testing. Allele origin: germline.